The following is an entry in ClinVar:

NM_000284.4(PDHA1):c.1105T>C (p.Tyr369His)

Gene: PDHA1 (pyruvate dehydrogenase E1 subunit alpha 1; plus strand). Cytogenetic location: Xp22.12.
Variant type: single nucleotide variant.
Coding change: c.1105T>C on transcript NM_000284.4 (MANE Select); coding-DNA position 1105, T replaced by C.
Protein change: p.Tyr369His; replaces tyrosine 369 with histidine.
Molecular consequence: missense variant.
Genome position (GRCh38, 1-based): chrX:19,359,585, T>C. VCF-style: chrX-19359585-T-C. GRCh37 (hg19) VCF-style: chrX-19377703-T-C.
Other names: c.1219T>C, p.Tyr407His (NM_001173454.2); c.1126T>C, p.Tyr376His (NM_001173455.2); c.1012T>C, p.Tyr338His (NM_001173456.2); short protein forms Y338H, Y369H, Y376H, Y407H.
Identifiers: ClinVar variation 4070458 (VCV004070458.1).

ClinVar aggregate classification (germline): Likely pathogenic (0 of 4 stars; one submission).

Conditions:
Pyruvate dehydrogenase E1-alpha deficiency (PDHAD). Also called: ATAXIA, INTERMITTENT, WITH PYRUVATE DEHYDROGENASE DEFICIENCY; ATAXIA WITH LACTIC ACIDOSIS I; ATAXIA, INTERMITTENT, WITH ABNORMAL PYRUVATE METABOLISM; Ataxia, intermittent, with pyruvate dehydrogenase, or decarboxylase, deficiency. Identifiers: Orphanet 79243, MedGen C1839413, MONDO:0010717, OMIM 312170.

Submission:

PDHA1 Study Group, University Children’s Hospital, Paracelsus Medical University
Classification: Likely pathogenic for Pyruvate dehydrogenase E1-alpha deficiency. Last evaluated: 2024-10-15. Review status: no assertion criteria provided. Collection method: research. Allele origin: de novo. Affected: yes. Observed: 1 variant allele.
Comment: The NM_000284.3:c.1105T>C (p.Tyr369His) substitution is a missense variant in PDHA1 gene. Among them, 1 case had confirmed de novo occurrence. The variant has been reported in 1 published case (PMIDs: 20002461). Last literature search: July 12, 2024. This variant is absent or extremely rare in population-based cohorts in the Genome Aggregation Database (gnomAD). Individuals harboring this variant presented with clinical features compatible with PDHA1-related PDHc deficiency. In summary, this variant meets criteria to be classified as likely pathogenic (LP) for PDHA1-related PDHc deficiency based on the ACMG/AMP criteria applied: PM1, PM2, PM4, PM7 (last assessment October 15, 2024).

Literature cited by the submitters: PubMed 20002461; DOI 10.1093/brain/awaf430.